The following is an entry in ClinVar:

ClinVar aggregate classification (germline): Uncertain significance (1 of 4 stars; one submission).

Submission:

GeneDx
Classification: Uncertain significance. Last evaluated: 2023-07-12. Review status: criteria provided, single submitter. Criteria: GeneDx Variant Classification Process June 2021. Collection method: clinical testing. Allele origin: germline. Affected: yes.
Comment: Not observed at significant frequency in large population cohorts (gnomAD); In silico analysis supports a deleterious effect on splicing; Has not been previously published as pathogenic or benign to our knowledge; Variants in candidate genes are classified as variants of uncertain significance in accordance with ACMG guidelines (Richards et al., 2015)

NM_001352913.2(PPP2R5C):c.794+5G>T

Gene: PPP2R5C (protein phosphatase 2 regulatory subunit B'gamma; plus strand). Cytogenetic location: 14q32.31.
Variant type: single nucleotide variant.
Coding change: c.794+5G>T on transcript NM_001352913.2 (MANE Select); 5 bases into the intron after coding-DNA position 794, G replaced by T.
Molecular consequence: intron variant.
Genome position (GRCh38, 1-based): chr14:101,883,567, G>T. VCF-style: chr14-101883567-G-T. GRCh37 (hg19) VCF-style: chr14-102349904-G-T.
Other names: c.809+5G>T (NM_001352914.2); c.794+5G>T (NM_001161726.2); c.722+5G>T (NM_001161725.2); c.404+5G>T (NM_001352915.2, NM_001352916.2); c.629+5G>T (NM_001352912.1, NM_002719.4, NM_178586.3 and 1 more transcripts).
Identifiers: ClinVar variation 3764207 (VCV003764207.1).